The following is an entry in ClinVar:

ClinVar aggregate classification (germline): Likely benign. Review status: criteria provided, multiple submitters, no conflicts (2 of 4 stars). 2 submissions from 2 submitters: Likely benign (2). Last evaluated 2025-01-15.

Conditions:
Combined immunodeficiency due to STK4 deficiency (IMD110). Also called: STK4 DEFICIENCY; MST1 DEFICIENCY; T-cell immunodeficiency, recurrent infections, and autoimmunity with or without cardiac malformations. Identifiers: Orphanet 314689, MedGen C3553943, MONDO:0013934, OMIM 614868.

Allele frequency attached by ClinVar (database versions not stated): gnomAD exomes below 0.00001; gnomAD 0.00001.
gnomAD v4.1: 5 of 1,613,860 alleles (0.00031%); highest among the groups gnomAD compares: Non-Finnish European, 0.00042%; no homozygotes.

Submissions (2):

Labcorp Genetics (formerly Invitae), Labcorp
Classification: Likely benign for Combined immunodeficiency due to STK4 deficiency. Last evaluated: 2025-01-15. Review status: criteria provided, single submitter. Criteria: Invitae Variant Classification Sherloc (09022015). Collection method: clinical testing. Allele origin: germline.

CeGaT Center for Human Genetics Tuebingen
Classification: Likely benign. Last evaluated: 2025-01-01. Review status: criteria provided, single submitter. Criteria: CeGaT Center For Human Genetics Tuebingen Variant Classification Criteria Version 2. Collection method: clinical testing. Allele origin: germline. Affected: yes. Observed: 1 variant allele.
Comment: STK4: BP4, BP7

NM_006282.5(STK4):c.288A>G (p.Thr96=)

Gene: STK4 (serine/threonine kinase 4; plus strand). Cytogenetic location: 20q13.12.
Variant type: single nucleotide variant.
Coding change: c.288A>G on transcript NM_006282.5 (MANE Select); coding-DNA position 288, A replaced by G.
Protein change: p.Thr96=; no amino-acid change (threonine 96 retained).
Molecular consequence: synonymous variant.
Genome position (GRCh38, 1-based): chr20:44,981,871, A>G. VCF-style: chr20-44981871-A-G. GRCh37 (hg19) VCF-style: chr20-43610512-A-G.
Other names: c.288A>G, p.Thr96= (NM_001352385.2).
Identifiers: ClinVar variation 749314 (VCV000749314.21), dbSNP rs1236915263, ClinGen allele CA510607284.